The following is an entry in ClinVar:

NM_007294.4(BRCA1):c.3212A>G (p.Glu1071Gly)

Gene: BRCA1 (BRCA1 DNA repair associated; minus strand). Cytogenetic location: 17q21.31.
Variant type: single nucleotide variant.
Coding change: c.3212A>G on transcript NM_007294.4 (MANE Select); coding-DNA position 3212, A replaced by G.
Protein change: p.Glu1071Gly; replaces glutamic acid 1071 with glycine.
Molecular consequence: missense variant. On other transcripts: intron variant (137).
Genome position (GRCh38, 1-based): chr17:43,092,319, T>C on the plus strand (A>G on the coding strand, the complement: BRCA1 is on the minus strand). VCF-style: chr17-43092319-T-C. GRCh37 (hg19) VCF-style: chr17-41244336-T-C.
Other names: c.2999A>G, p.Glu1000Gly (NM_001407571.1, NM_001407853.1, NM_001407894.1 and 9 more transcripts); c.3212A>G, p.Glu1071Gly (NM_001407581.1, NM_001407582.1, NM_001407583.1 and 30 more transcripts); c.3209A>G, p.Glu1070Gly (NM_001407587.1, NM_001407590.1, NM_001407591.1 and 22 more transcripts); c.524-1287A>G (NM_001408499.1, NM_001408498.1, NM_001408501.1 and 3 more transcripts); c.671-1287A>G (NM_001408422.1, NM_001408418.1, NM_001408423.1 and 2 more transcripts); c.707-1287A>G (NM_001408416.1, NM_001408413.1); c.578-1287A>G (NM_001408484.1, NM_001408478.1, NM_001408514.1 and 9 more transcripts); c.662-1287A>G (NM_001408450.1, NM_001408434.1, NM_001408447.1 and 6 more transcripts); and 41 more; short protein forms E1004G, E1023G, E1029G, E1070G, E944G, E982G, E983G, E1000G.
Identifiers: ClinVar variation 1728951 (VCV001728951.4), dbSNP rs2154336662, ClinGen allele CA10595555.

ClinVar aggregate classification (germline): Conflicting classifications of pathogenicity. Review status: criteria provided, conflicting classifications (1 of 4 stars). 2 submissions from 2 submitters: Uncertain significance (1); Likely benign (1). Last evaluated 2023-03-23.

Conditions:
Hereditary cancer-predisposing syndrome. Also called: Tumor predisposition; Neoplastic Syndromes, Hereditary; Hereditary Cancer Syndrome; Hereditary neoplastic syndrome. Identifiers: Orphanet 140162, MedGen C0027672, MeSH D009386, MONDO:0015356.

Submissions (2):

University of Washington Department of Laboratory Medicine, University of Washington
Classification: Likely benign for Hereditary cancer-predisposing syndrome. Last evaluated: 2023-03-23. Review status: criteria provided, single submitter. Criteria: Dines et al. (Genet Med. 2020). Collection method: curation. Allele origin: germline.
Comment: Missense variant in a coldspot region where missense variants are very unlikely to be pathogenic (PMID:31911673).

BRCA1 coldspot (exon 11 using historical exon numbering). Reclassification based on statistical prior probability

Ambry Genetics
Classification: Uncertain significance for Hereditary cancer-predisposing syndrome. Last evaluated: 2020-02-26. Review status: criteria provided, single submitter. Criteria: Ambry Variant Classification Scheme 2023. Collection method: clinical testing. Allele origin: germline.
Comment: The p.E1071G variant (also known as c.3212A>G), located in coding exon 9 of the BRCA1 gene, results from an A to G substitution at nucleotide position 3212. The glutamic acid at codon 1071 is replaced by glycine, an amino acid with similar properties. This amino acid position is not well conserved in available vertebrate species. In addition, the in silico prediction for this alteration is inconclusive. Since supporting evidence is limited at this time, the clinical significance of this alteration remains unclear.